The following is an entry in ClinVar:

ClinVar aggregate classification (germline): Uncertain significance (1 of 4 stars; one submission).

Submission:

Women's Health and Genetics/Laboratory Corporation of America, LabCorp
Classification: Uncertain significance. Last evaluated: 2025-03-14. Review status: criteria provided, single submitter. Criteria: LabCorp Variant Classification Summary - May 2015. Collection method: clinical testing. Allele origin: germline.
Comment: Variant summary: The variant involves the duplication of exons 1-4 in the CYP11B1 gene. A presumed nomenclature of c.(?_-13)_(799+1_800-1)dup has been designated for the purposes of this classification. It is assumed to be a tandem duplication in direct orientation (PMIDs: 25640679, 30054569). The exact breakpoint at the 5' end of this variant is unknown, therefore this duplication may extend upstream of the annotated region of this gene. It is predicted to duplicate a segment including the initiation codon, therefore its impact on the encoded protein is unknown. The variant was absent in 120780 control chromosomes in the gnomAD database (Structural Variants v4.1 dataset). The available data on variant occurrences in the general population are insufficient to allow any conclusion about variant significance. To our knowledge, no occurrence of duplication of exons 1-4 in the CYP11B1 gene (in isolation) in individuals affected with Congenital Adrenal Hyperplasia and no experimental evidence demonstrating its impact on protein function have been reported. ClinVar contains entries for this variant (Variation IDs: 2581483; 3245554). On the other hand, duplications involving the 5' part of the CYP11B1 gene, together with the 3' part of the upstream located CYP11B2 gene, have been reported to result in an in-frame fusion gene product, where the expression of the hybrid transcript is regulated by the promoter of the CYP11B1 gene, resulting in glucocorticoid-remediable aldosteronism (GRA) disease phenotype (see e.g. PMIDs 1731223, 1518866, 20808686, 1472060). Since it is not possible to distinguish between these outcomes in the context of this evaluation, based on the evidence outlined above, the variant was classified as uncertain significance.

NC_000008.10:g.(143957812_143958097)_(143961242_?)dup

Gene: CYP11B1 (cytochrome P450 family 11 subfamily B member 1; minus strand). Cytogenetic location: 8q24.3.
Variant type: Duplication.
Identifiers: ClinVar variation 3895642 (VCV003895642.1).